The following is an entry in ClinVar:

ClinVar aggregate classification (germline): Uncertain significance (1 of 4 stars; one submission).

Conditions:
Spastic paraplegia. Identifiers: MedGen C0037772, HP:0001258.

Allele frequency attached by ClinVar (database versions not stated): gnomAD exomes below 0.00001; ExAC 0.00001; gnomAD 0.00001; TOPMed 0.00002; ESP Exome Variant Server 0.00008.
gnomAD v4.1: 15 of 1,611,958 alleles (0.00093%); highest among the groups gnomAD compares: Admixed American, 0.0017%; no homozygotes.

Submission:

Labcorp Genetics (formerly Invitae), Labcorp
Classification: Uncertain significance for Spastic paraplegia. Last evaluated: 2018-06-22. Review status: criteria provided, single submitter. Criteria: Invitae Variant Classification Sherloc (09022015). Collection method: clinical testing. Allele origin: germline.
Comment: In summary, the available evidence is currently insufficient to determine the role of this variant in disease. Therefore, it has been classified as a Variant of Uncertain Significance. Algorithms developed to predict the effect of missense changes on protein structure and function are either unavailable or do not agree on the potential impact of this missense change (SIFT: "Deleterious"; PolyPhen-2: "Possibly Damaging"; Align-GVGD: "Class C0"). This variant has not been reported in the literature in individuals with ZFYVE27-related disease. This variant is present in population databases (rs370222554, ExAC 0.002%). This sequence change replaces arginine with glutamine at codon 338 of the ZFYVE27 protein (p.Arg338Gln). The arginine residue is moderately conserved and there is a small physicochemical difference between arginine and glutamine.

NM_001385875.1(ZFYVE27):c.998G>A (p.Arg333Gln)

Gene: ZFYVE27 (zinc finger FYVE-type containing 27; plus strand). Cytogenetic location: 10q24.2.
Variant type: single nucleotide variant.
Coding change: c.998G>A on transcript NM_001385875.1 (MANE Select); coding-DNA position 998, G replaced by A.
Protein change: p.Arg333Gln; replaces arginine 333 with glutamine.
Molecular consequence: missense variant. On other transcripts: non-coding transcript variant (17).
Genome position (GRCh38, 1-based): chr10:97,753,138, G>A. VCF-style: chr10-97753138-G-A. GRCh37 (hg19) VCF-style: chr10-99512895-G-A.
Other names: c.1013G>A, p.Arg338Gln (NM_001002261.4, NM_001385871.1); c.977G>A, p.Arg326Gln (NM_001002262.4, NM_001385880.1, NM_001385881.1 and 2 more transcripts); c.881G>A, p.Arg294Gln (NM_001174119.2, NM_001385889.1); c.719G>A, p.Arg240Gln (NM_001174120.2); c.698G>A, p.Arg233Gln (NM_001174121.2, NM_001385915.1); c.623G>A, p.Arg208Gln (NM_001174122.2); c.1031G>A, p.Arg344Gln (NM_001385876.1); c.995G>A, p.Arg332Gln (NM_001385877.1); and 14 more; short protein forms R333Q, R338Q, R233Q, R326Q, R240Q, R208Q, R294Q, R115Q.
Identifiers: ClinVar variation 574922 (VCV000574922.8), dbSNP rs370222554, ClinGen allele CA5635393.